The following is an entry in ClinVar:

ClinVar aggregate classification (germline): Uncertain significance (1 of 4 stars; one submission).

Allele frequency attached by ClinVar (database versions not stated): gnomAD exomes below 0.00001.
gnomAD v4.1: 5 of 1,581,748 alleles (0.00032%); highest among the groups gnomAD compares: Middle Eastern, 0.017%; no homozygotes.

Submission:

CeGaT Center for Human Genetics Tuebingen
Classification: Uncertain significance. Last evaluated: 2023-11-01. Review status: criteria provided, single submitter. Criteria: CeGaT Center For Human Genetics Tuebingen Variant Classification Criteria Version 2. Collection method: clinical testing. Allele origin: germline. Affected: yes. Observed: 1 variant allele.
Comment: MRPL22: PM2, BP4

NM_014180.4(MRPL22):c.78-4A>G

Gene: MRPL22 (mitochondrial ribosomal protein L22; plus strand). Cytogenetic location: 5q33.2.
Variant type: single nucleotide variant.
Coding change: c.78-4A>G on transcript NM_014180.4 (MANE Select); 4 bases into the intron before coding-DNA position 78, A replaced by G.
Molecular consequence: intron variant.
Genome position (GRCh38, 1-based): chr5:154,950,817, A>G. VCF-style: chr5-154950817-A-G. GRCh37 (hg19) VCF-style: chr5-154330377-A-G.
Other names: c.-45-5554A>G (NM_001014990.3).
Identifiers: ClinVar variation 2673036 (VCV002673036.23), dbSNP rs1764550388, ClinGen allele CA361938822.
Genomic context (GRCh38, chr5:154,950,817, plus strand): 5'-ATGTAAACTCTACAGAAAGGTCCCCTAAGTGTCTGTTGTTTTATAGGCTTCTTTCATTTC[A>G]CAGTGTTTTACCTCAATCATATATCCACACAAGTGCTTCTCTTGACATTTCTCGAAAATG-3'